The following is an entry in ClinVar:

NM_001029.5(RPS26):c.9_12del (p.Lys4fs)

Gene: RPS26 (ribosomal protein S26; plus strand). Cytogenetic location: 12q13.2.
Variant type: Deletion.
Coding change: c.9_12del on transcript NM_001029.5 (MANE Select); coding-DNA positions 9 to 12, 4 bases deleted (GAAA; older notation c.9_12delGAAA).
Protein change: p.Lys4fs; shifts the reading frame from lysine 4.
Molecular consequence: frameshift variant.
Genome position (GRCh38, 1-based): chr12:56,042,430-56,042,433, GAAA deleted; deleting any 4 consecutive bases within chr12:56,042,427-56,042,433 gives the same sequence; the c. name uses the placement nearest the transcript's 3' end. VCF-style (leftmost placement, unchanged base first): chr12-56042426-CAAAG-C. GRCh37 (hg19) VCF-style: chr12-56436210-CAAAG-C.
Other names: short protein forms K4fs.
Identifiers: ClinVar variation 1076796 (VCV001076796.12), dbSNP rs2136753785, ClinGen allele CA2499221758.
Genomic context (GRCh38, chr12:56,042,426, plus strand): 5'-AGGGACTGAGGCTGGGTGAGTTGCGCCGTTTTCCTAACAGTTTTCCCATCCTGTCGCAGA[CAAAG>C]AAAAGAAGGAACAATGGTCGTGCCAAAAAGGGCCGCGGCCACGTGCAGCCTATTCGCTGC-3'

ClinVar aggregate classification (germline): Pathogenic. Review status: criteria provided, multiple submitters, no conflicts (2 of 4 stars). 4 submissions from 4 submitters: Pathogenic (4). Last evaluated 2026-05-01.

Conditions:
Diamond-Blackfan anemia 10 (DBA10). Also called: RPS26-Related Diamond-Blackfan Anemia. Identifiers: Orphanet 124, MedGen C2750080, MONDO:0013217, OMIM 613309.
Diamond-Blackfan anemia. Also called: Blackfan Diamond syndrome; Aregenerative anemia chronic congenital; Red cell aplasia, pure hereditary; Congenital hypoplastic anemia; Aase syndrome. Identifiers: Orphanet 124, MedGen C1260899, MeSH D029503, MONDO:0015253, HP:0004810.

Submissions (4):

CeGaT Center for Human Genetics Tuebingen
Classification: Pathogenic. Last evaluated: 2026-05-01. Review status: criteria provided, single submitter. Criteria: CeGaT Center For Human Genetics Tuebingen Variant Classification Criteria Version 2. Collection method: clinical testing. Allele origin: germline. Affected: yes. Observed: 1 variant allele.
Comment: RPS26: PVS1, PM2, PS2:Moderate, PS4:Supporting

Labcorp Genetics (formerly Invitae), Labcorp
Classification: Pathogenic for Diamond-Blackfan anemia 10. Last evaluated: 2024-10-13. Review status: criteria provided, single submitter. Criteria: Invitae Variant Classification Sherloc (09022015). Collection method: clinical testing. Allele origin: germline.
Comment: This sequence change creates a premature translational stop signal (p.Lys4Glufs*40) in the RPS26 gene. It is expected to result in an absent or disrupted protein product. Loss-of-function variants in RPS26 are known to be pathogenic (PMID: 20116044, 23718193). This variant is not present in population databases (gnomAD no frequency). This premature translational stop signal has been observed in individual(s) with Diamond–Blackfan anemia (PMID: 28102861). This variant is also known as c.6_9delAAAG. ClinVar contains an entry for this variant (Variation ID: 1076796). For these reasons, this variant has been classified as Pathogenic.

Baylor Genetics
Classification: Pathogenic for Diamond-Blackfan anemia 10. Last evaluated: 2022-01-22. Review status: criteria provided, single submitter. Criteria: ACMG Guidelines, 2015. Collection method: clinical testing. Allele origin: unknown.

Ambry Genetics
Classification: Pathogenic for Diamond-Blackfan anemia. Last evaluated: 2017-03-31. Review status: criteria provided, single submitter. Criteria: Ambry Variant Classification Scheme 2023. Collection method: clinical testing. Allele origin: germline.
Comment: The c.9_12delGAAA pathogenic mutation, located in coding exon 2 of the RPS26 gene, results from a deletion of 4 nucleotides at nucleotide positions 9 to 12, causing a translational frameshift with a predicted alternate stop codon (p.K4Efs*40). In addition to the clinical data presented in the literature, this alteration is expected to result in loss of function by premature protein truncation or nonsense-mediated mRNA decay. As such, this alteration is interpreted as a disease-causing mutation.

Literature cited by the submitters: PubMed 20116044 (cited by Labcorp Genetics (formerly Invitae), Labcorp); PubMed 23718193 (cited by Labcorp Genetics (formerly Invitae), Labcorp); PubMed 28102861 (cited by Labcorp Genetics (formerly Invitae), Labcorp); PubMed 22381658 (cited by Ambry Genetics).